The following is an entry in ClinVar:

ClinVar aggregate classification (germline): Likely pathogenic (1 of 4 stars; one submission).

Conditions:
Breast-ovarian cancer, familial, susceptibility to, 3. Also called: RAD51C-Related Breast/Ovarian Cancer. Identifiers: Orphanet 145, MedGen C3150659, MONDO:0013253, OMIM 613399.

Submission:

Myriad Genetics, Inc.
Classification: Likely pathogenic for Breast-ovarian cancer, familial, susceptibility to, 3. Last evaluated: 2024-12-11. Review status: criteria provided, single submitter. Criteria: Myriad Autosomal Dominant, Autosomal Recessive and X-Linked Classification Criteria (2023). Collection method: clinical testing. Allele origin: unknown.
Comment: This variant is considered likely pathogenic. Functional studies indicate this variant impacts protein function [PMID: 37444530, 39299233].

Literature cited by the submitters: PubMed 37444530; PubMed 39299233.

NM_058216.3(RAD51C):c.145+3A>C

Genes: RAD51C (RAD51 paralog C; plus strand), LOC130061310 (ATAC-STARR-seq lymphoblastoid active region 12491; plus strand). Cytogenetic location: 17q22.
Variant type: single nucleotide variant.
Coding change: c.145+3A>C on transcript NM_058216.3 (MANE Select); 3 bases into the intron after coding-DNA position 145, A replaced by C.
Molecular consequence: intron variant.
Genome position (GRCh38, 1-based): chr17:58,692,791, A>C. VCF-style: chr17-58692791-A-C. GRCh37 (hg19) VCF-style: chr17-56770152-A-C.
Other names: c.145+3A>C (NM_002876.4).
Identifiers: ClinVar variation 3772706 (VCV003772706.1).